The following is an entry in ClinVar:

NM_006393.3(NEBL):c.599G>C (p.Gly200Ala)

Gene: NEBL (nebulette; minus strand). Cytogenetic location: 10p12.31.
Variant type: single nucleotide variant.
Coding change: c.599G>C on transcript NM_006393.3 (MANE Select); coding-DNA position 599, G replaced by C.
Protein change: p.Gly200Ala; replaces glycine 200 with alanine.
Molecular consequence: missense variant. On other transcripts: intron variant (9).
Genome position (GRCh38, 1-based): chr10:20,868,749, C>G on the plus strand (G>C on the coding strand, the complement: NEBL is on the minus strand). VCF-style: chr10-20868749-C-G. GRCh37 (hg19) VCF-style: chr10-21157678-C-G.
Other names: c.250-55809G>C (NM_001377326.1, NM_001377327.1, NM_001377328.1); c.358-55809G>C (NM_213569.2, NM_001173484.2, NM_001377322.1); c.301-55809G>C (NM_001377324.1); c.292-55809G>C (NM_001377325.1); c.310-55809G>C (NM_001377323.1); short protein forms G200A.
Identifiers: ClinVar variation 164763 (VCV000164763.15), dbSNP rs727503336, ClinGen allele CA177452.

ClinVar aggregate classification (germline): Uncertain significance. Review status: criteria provided, multiple submitters, no conflicts (2 of 4 stars). 3 submissions from 3 submitters: Uncertain significance (3). Last evaluated 2025-01-01.

Conditions:
Primary dilated cardiomyopathy (DCM). Also called: Dilated Cardiomyopathy. Identifiers: Orphanet 217604, MedGen C0007193, MeSH D002311, MONDO:0005021, HP:0001644. Inheritance: Various modes of inheritance.

Allele frequency attached by ClinVar (database versions not stated): gnomAD 0.00002 and 0.00003; TOPMed 0.00002.
gnomAD v4.1: 42 of 1,607,348 alleles (0.0026%); highest among the groups gnomAD compares: Middle Eastern, 0.016%; no homozygotes.

Submissions (3):

Labcorp Genetics (formerly Invitae), Labcorp
Classification: Uncertain significance for Primary dilated cardiomyopathy. Last evaluated: 2025-01-01. Review status: criteria provided, single submitter. Criteria: Invitae Variant Classification Sherloc (09022015). Collection method: clinical testing. Allele origin: germline.
Comment: This sequence change replaces glycine, which is neutral and non-polar, with alanine, which is neutral and non-polar, at codon 200 of the NEBL protein (p.Gly200Ala). This variant is present in population databases (rs727503336, gnomAD 0.02%). This missense change has been observed in individual(s) with dilated cardiomyopathy (PMID: 36788754). ClinVar contains an entry for this variant (Variation ID: 164763). An algorithm developed to predict the effect of missense changes on protein structure and function (PolyPhen-2) suggests that this variant is likely to be disruptive. In summary, the available evidence is currently insufficient to determine the role of this variant in disease. Therefore, it has been classified as a Variant of Uncertain Significance.

Ambry Genetics
Classification: Uncertain significance. Last evaluated: 2023-06-06. Review status: criteria provided, single submitter. Criteria: Ambry Variant Classification Scheme 2023. Collection method: clinical testing. Allele origin: germline.

Laboratory for Molecular Medicine, Mass General Brigham Personalized Medicine
Classification: Uncertain significance. Last evaluated: 2014-11-25. Review status: criteria provided, single submitter. Criteria: LMM Criteria. Collection method: clinical testing. Allele origin: germline. Observed: 3 variant alleles.
Comment: It has also been identified in 1/67606 European chromosomes by the Exome Aggrega tion Consortium (ExAC). Computational prediction tools and conservation analysis do not provide strong support for or against an impact to the protein. In summary, the clinical significance of the p.Gly200Ala variant is uncertain.

Literature cited by the submitters: PubMed 36788754 (cited by Labcorp Genetics (formerly Invitae), Labcorp).